The following is an entry in ClinVar:

NM_000329.3(RPE65):c.142_143del (p.Gly48fs)

Gene: RPE65 (retinoid isomerohydrolase RPE65; minus strand). Cytogenetic location: 1p31.3.
Variant type: Deletion.
Coding change: c.142_143del on transcript NM_000329.3 (MANE Select); coding-DNA positions 142 to 143, 2 bases deleted (GG; older notation c.142_143delGG).
Protein change: p.Gly48fs; shifts the reading frame from glycine 48.
Molecular consequence: frameshift variant. On other transcripts: 5 prime UTR variant (1), intron variant (1).
Genome position (GRCh38, 1-based): chr1:68,446,812-68,446,813, CC deleted on the plus strand (GG on the coding strand, the reverse complement: RPE65 is on the minus strand). VCF-style (leftmost placement, unchanged base first): chr1-68446811-TCC-T. GRCh37 (hg19) VCF-style: chr1-68912494-TCC-T.
Other names: c.142_143del, p.Gly48fs (NM_001406859.1, NM_001406860.1, NM_001406853.1); c.-135_-134del (NM_001406857.1); c.-32+1811_-32+1812del (NM_001406856.1); short protein forms G48fs.
Identifiers: ClinVar variation 2943444 (VCV002943444.3), dbSNP rs2523452134, ClinGen allele CA2740090772.

ClinVar aggregate classification (germline): Pathogenic (1 of 4 stars; one submission).

Conditions:
Leber congenital amaurosis 2 (LCA2). Also called: AMAUROSIS CONGENITA OF LEBER II; Autosomal Recessive RPE65-Related Retinal Degeneration. Identifiers: Orphanet 65, MedGen C1859844, MONDO:0008765, OMIM 204100. Disease mechanism: loss of function.
Retinitis pigmentosa 20 (RP20). Identifiers: Orphanet 791, MedGen C3151086, MONDO:0013425, OMIM 613794.

Submission:

Labcorp Genetics (formerly Invitae), Labcorp
Classification: Pathogenic for Leber congenital amaurosis 2; Retinitis pigmentosa 20. Last evaluated: 2023-01-20. Review status: criteria provided, single submitter. Criteria: Invitae Variant Classification Sherloc (09022015). Collection method: clinical testing. Allele origin: germline.
Comment: For these reasons, this variant has been classified as Pathogenic. This variant has not been reported in the literature in individuals affected with RPE65-related conditions. This variant is not present in population databases (gnomAD no frequency). This sequence change creates a premature translational stop signal (p.Gly48Thrfs*3) in the RPE65 gene. It is expected to result in an absent or disrupted protein product. Loss-of-function variants in RPE65 are known to be pathogenic (PMID: 9326941, 9501220, 9843205, 18632300).

Literature cited by the submitters: PubMed 9326941; PubMed 9501220; PubMed 9843205; PubMed 18632300.